The following is an entry in ClinVar:

ClinVar aggregate classification (germline): Likely pathogenic (1 of 4 stars; one submission).

Conditions:
Von Hippel-Lindau syndrome (VHLS). Also called: VHL syndrome; Von Hippel-Lindau; von Hippel–Lindau syndrome. Identifiers: Orphanet 892, MedGen C0019562, MONDO:0008667, OMIM 193300. Disease mechanism: loss of function.
Chuvash polycythemia. Also called: POLYCYTHEMIA, VHL-DEPENDENT. Identifiers: Orphanet 238557, MedGen C1837915, MONDO:0009892, OMIM 263400.

Submission:

Labcorp Genetics (formerly Invitae), Labcorp
Classification: Likely pathogenic for Von Hippel-Lindau syndrome; Chuvash polycythemia. Last evaluated: 2023-10-04. Review status: criteria provided, single submitter. Criteria: Invitae Variant Classification Sherloc (09022015). Collection method: clinical testing. Allele origin: germline.
Comment: This sequence change disrupts the translational stop signal of the VHL mRNA. It is expected to extend the length of the VHL protein by 14 additional amino acid residues. This variant is not present in population databases (gnomAD no frequency). This protein extension has been observed in individuals with pheochromocytoma (Invitae). It has also been observed to segregate with disease in related individuals. Algorithms developed to predict the effect of variants on protein structure and function are not available or were not evaluated for this variant. Experimental studies have shown that this protein extension affects VHL function (PMID: 20560986). In summary, the currently available evidence indicates that the variant is pathogenic, but additional data are needed to prove that conclusively. Therefore, this variant has been classified as Likely Pathogenic.

Literature cited by the submitters: PubMed 20560986.

NM_000551.4(VHL):c.640T>C (p.Ter214Arg)

Genes: VHL (von Hippel-Lindau tumor suppressor; plus strand), LOC107303340 (3p25 von Hippel-Lindau tumor suppressor, E3 ubiquitin protein ligase Alu-mediated recombination region; plus strand). Cytogenetic location: 3p25.3.
Variant type: single nucleotide variant.
Coding change: c.640T>C on transcript NM_000551.4 (MANE Select); coding-DNA position 640, T replaced by C.
Protein change: p.Ter214Arg.
Molecular consequence: stop lost. On other transcripts: 3 prime UTR variant (1), non-coding transcript variant (1).
Genome position (GRCh38, 1-based): chr3:10,149,963, T>C. VCF-style: chr3-10149963-T-C. GRCh37 (hg19) VCF-style: chr3-10191647-T-C.
Other names: c.*194T>C (NM_001354723.2); c.517T>C, p.Ter173Arg (NM_198156.3).
Identifiers: ClinVar variation 2952480 (VCV002952480.3), dbSNP rs1575932781, ClinGen allele CA351756719.